The following is an entry in ClinVar:

NM_001065.4(TNFRSF1A):c.123T>G (p.Asp41Glu)

Gene: TNFRSF1A (TNF receptor superfamily member 1A; minus strand). Cytogenetic location: 12p13.31.
Variant type: single nucleotide variant.
Coding change: c.123T>G on transcript NM_001065.4 (MANE Select); coding-DNA position 123, T replaced by G.
Protein change: p.Asp41Glu; replaces aspartic acid 41 with glutamic acid.
Molecular consequence: missense variant. On other transcripts: 5 prime UTR variant (1), non-coding transcript variant (1), intron variant (1).
Genome position (GRCh38, 1-based): chr12:6,334,161, A>C on the plus strand (T>G on the coding strand, the complement: TNFRSF1A is on the minus strand). VCF-style: chr12-6334161-A-C. GRCh37 (hg19) VCF-style: chr12-6443327-A-C.
Other names: c.-455T>G (NM_001346092.2); c.-131-296T>G (NM_001346091.2); short protein forms D41E.
Identifiers: ClinVar variation 97643 (VCV000097643.82), dbSNP rs104895271, ClinGen allele CA280695.

ClinVar aggregate classification (germline): Conflicting classifications of pathogenicity. Review status: criteria provided, conflicting classifications (1 of 4 stars). 21 submissions from 21 submitters: Pathogenic (3); Likely pathogenic (12); Likely benign (1). 5 of the submissions do not count toward it. Last evaluated 2026-09-03.

Conditions:
TNFRSF1A-related disorder. Also called: TNFRSF1A-related condition.
Autoinflammatory syndrome. Identifiers: Orphanet 93665, MedGen C3890737, MONDO:0019751.
Inborn genetic diseases. Identifiers: MedGen C0950123, MeSH D030342.
TNF receptor-associated periodic fever syndrome (TRAPS) (FPF). Also called: FAMILIAL HIBERNIAN FEVER; TNF RECEPTOR-ASSOCIATED PERIODIC SYNDROME; TUMOR NECROSIS FACTOR RECEPTOR-ASSOCIATED PERIODIC SYNDROME; TNF Receptor-Associated Periodic Fever Syndrome; TNF receptor 1-associated periodic fever syndrome; Autosomal Dominant Familial Periodic Fever. Identifiers: Orphanet 32960, MedGen C1275126, MONDO:0007727, OMIM 142680.

Allele frequency attached by ClinVar (database versions not stated): ESP Exome Variant Server 0.00015; TOPMed 0.00020.
gnomAD v4.1: 446 of 1,614,016 alleles (0.028%); highest among the groups gnomAD compares: Non-Finnish European, 0.036%; no homozygotes.

Submissions 1 to 9 of 21:

GeneDx
Classification: Likely pathogenic. Last evaluated: 2026-09-03. Review status: criteria provided, single submitter. Criteria: GeneDx Variant Classification Process June 2021. Collection method: clinical testing. Allele origin: germline.
Comment: In silico analysis suggests that this missense variant does not alter protein structure/function; Also known as p.(D12E); This variant is associated with the following publications: (PMID: 32565720, 24393624, 23965844, 16508982, 18512793, 26299986, 29062244, 32199921, 32831641, 26992170, 26965498, 31589614, 26598380, 19917181, 23322460, 23745996, 34426522, 35753512, 30476936, Newsom2023[Abstract], 38589954, 41466287, 33165748, 38057357)

PreventionGenetics, part of Exact Sciences
Classification: Likely pathogenic for TNFRSF1A-related condition. Last evaluated: 2026-03-23. Review status: criteria provided, single submitter. Criteria: ACMG Guidelines, 2015. Collection method: clinical testing. Allele origin: germline.
Comment: The TNFRSF1A c.123T>G variant is predicted to result in the amino acid substitution p.Asp41Glu. Of note, this variant is also referred to as D12E in the literature. This variant has been reported to be pathogenic in multiple patients with tumor necrosis factor receptor-associated autoinflammatory syndrome (TRAPS) or with the autoimmune diseases multiple sclerosis and rheumatoid arthritis (Family 8, Proband, D'Osualdo et al. 2006. PubMed ID: 16508982; Cantarini et al. 2009. PubMed ID: 19917181; Havla et al. 2013. PubMed ID: 23322460; Cantarini et al. 2014. PubMed ID: 24393624; Lachmann et al. 2014. PubMed ID: 23965844). This variant has been reported to occur de novo (Cantarini et al. 2009. PubMed ID: 19917181) and has been identified in additional family members with clinical features (Havla et al. 2013. PubMed ID: 23322460). This variant has also been described as a low penetrance variant associated with mild or atypical disease presentations (D'Osualdo et al. 2006. PubMed ID: 16508982; Cantarini et al. 2014. PubMed ID: 24393624). This variant is reported in 0.032% of alleles in individuals of European (Non-Finnish) descent in gnomAD. This variant is interpreted as likely pathogenic.

Labcorp Genetics (formerly Invitae), Labcorp
Classification: Likely pathogenic for TNF receptor-associated periodic fever syndrome (TRAPS). Last evaluated: 2026-01-09. Review status: criteria provided, single submitter. Criteria: Invitae Variant Classification Sherloc (09022015). Collection method: clinical testing. Allele origin: germline.
Comment: This sequence change replaces aspartic acid, which is acidic and polar, with glutamic acid, which is acidic and polar, at codon 41 of the TNFRSF1A protein (p.Asp41Glu). This variant is present in population databases (rs104895271, gnomAD 0.03%), and has an allele count higher than expected for a pathogenic variant. This missense change has been observed in individual(s) with TNF receptor-associated periodic fever syndrome (TRAPS) (PMID: 16508982, 23322460, 24393624, 35753512). It has also been observed to segregate with disease in related individuals. This variant is also known as D12E. ClinVar contains an entry for this variant (Variation ID: 97643). Invitae Evidence Modeling of protein sequence and biophysical properties (such as structural, functional, and spatial information, amino acid conservation, physicochemical variation, residue mobility, and thermodynamic stability) indicates that this missense variant is not expected to disrupt TNFRSF1A protein function with a negative predictive value of 95%. Experimental studies are conflicting or provide insufficient evidence to determine the effect of this variant on TNFRSF1A function (PMID: 26598380). In summary, the currently available evidence indicates that the variant is pathogenic, but additional data are needed to prove that conclusively. Therefore, this variant has been classified as Likely Pathogenic.

Women's Health and Genetics/Laboratory Corporation of America, LabCorp
Classification: Likely pathogenic for TNF receptor-associated periodic fever syndrome (TRAPS). Last evaluated: 2025-04-17. Review status: criteria provided, single submitter. Criteria: LabCorp Variant Classification Summary - May 2015. Collection method: clinical testing. Allele origin: germline.
Comment: Variant summary: TNFRSF1A c.123T>G (p.Asp41Glu) results in a conservative amino acid change in the encoded protein sequence. Four of five in-silico tools predict a benign effect of the variant on protein function. The variant allele was found at a frequency of 0.00016 in 250836 control chromosomes. The observed variant frequency is approximately 164-fold of the estimated maximal expected allele frequency for a pathogenic variant in TNFRSF1A causing TNF receptor-associated periodic fever syndrome (TRAPS) phenotype (1e-06). c.123T>G has been observed in multiple individual(s) affected with TNF receptor-associated periodic fever syndrome (Havla_2013, DOsualdo_2006, Similuk_2022, Kong_2023, Cantarini_2013) and has also been shown to segregate with the disease (Havla_2013). Variant is associated with a milder phenotype in affected individuals (Cantarini_2013). These data indicate that the variant is likely to be associated with disease. Co-occurrence with another pathogenic variant has been reported (MEFV c.2040G>C, p.Met680Ile in homozygous state) for this variant. One publication reports experimental evidence evaluating an impact on protein function, however, does not allow convincing conclusions about the variant effect. The following publications have been ascertained in the context of this evaluation (PMID: 23745996, 24393624, 16508982, 18512793, 23322460, 38057357, 26598380, 30476936, 35753512, 33165748). ClinVar contains an entry for this variant (Variation ID: 97643). Based on the evidence outlined above, the variant was classified as likely pathogenic.

Blueprint Genetics
Classification: Likely benign. Last evaluated: 2024-09-10. Review status: criteria provided, single submitter. Criteria: ACMG Guidelines, 2015. Collection method: clinical testing. Allele origin: germline.

Institute of Human Genetics, University of Leipzig Medical Center
Classification: Likely pathogenic for TNF receptor-associated periodic fever syndrome (TRAPS). Last evaluated: 2024-08-02. Review status: criteria provided, single submitter. Criteria: ACMG Guidelines, 2015. Collection method: clinical testing. Allele origin: unknown. Inheritance: Autosomal dominant inheritance. Affected: yes.
Comment: Criteria applied: PS4,PS2_SUP,PM5_SUP,PP1

Greenwood Genetic Center Diagnostic Laboratories, Greenwood Genetic Center
Classification: Likely pathogenic for TNF receptor-associated periodic fever syndrome (TRAPS). Last evaluated: 2024-04-01. Review status: criteria provided, single submitter. Criteria: ACMG Guidelines, 2015. Collection method: clinical testing. Allele origin: germline. Affected: yes.
Comment: PS3_Moderate, PM1, PM6

CeGaT Center for Human Genetics Tuebingen
Classification: Likely pathogenic. Last evaluated: 2023-04-01. Review status: criteria provided, single submitter. Criteria: CeGaT Center For Human Genetics Tuebingen Variant Classification Criteria Version 2. Collection method: clinical testing. Allele origin: germline. Affected: yes. Observed: 3 variant alleles.
Comment: TNFRSF1A: PP1:Strong, PM2:Supporting, PS3:Supporting

Mendelics
Classification: Pathogenic for TNF receptor-associated periodic fever syndrome (TRAPS). Last evaluated: 2022-05-04. Review status: criteria provided, single submitter. Criteria: Mendelics Assertion Criteria 2019. Collection method: clinical testing. Allele origin: germline.